The following is an entry in ClinVar:

ClinVar aggregate classification (germline): Pathogenic (1 of 4 stars; one submission).

Conditions:
Hereditary cancer-predisposing syndrome. Also called: Neoplastic Syndromes, Hereditary; Tumor predisposition; Hereditary Cancer Syndrome; Hereditary neoplastic syndrome. Identifiers: Orphanet 140162, MedGen C0027672, MeSH D009386, MONDO:0015356.

Allele frequency attached by ClinVar (database versions not stated): gnomAD exomes 0.00001.
gnomAD v4.1: 3 of 1,614,204 alleles (0.00019%); highest among the groups gnomAD compares: Non-Finnish European, 0.00025%; no homozygotes.

Submission:

Ambry Genetics
Classification: Pathogenic for Hereditary cancer-predisposing syndrome. Last evaluated: 2015-06-08. Review status: criteria provided, single submitter. Criteria: Ambry Variant Classification Scheme 2023. Collection method: clinical testing. Allele origin: germline.
Comment: The p.Q1263* pathogenic mutation (also known as c.3787C>T) located in coding exon 25 of the RAD50 gene, results from a C to T substitution at nucleotide position 3787. This changes the amino acid from a glutamine to a stop codon within coding exon 25. This truncation leads to partial loss of the ABC ATPase domain which is integral in dsDNA break repair (Williams GJ et al. Nat. Struct. Mol. Biol. 2011 Apr; 18(4):423-31). Since premature stop codons are typically deleterious in nature, this alteration is interpreted as a disease-causing mutation (ACMG Recommendations for Standards for Interpretation and Reporting of Sequence Variations. Revision 2007. Genet Med. 2008;10:294).

Literature cited by the submitters: PubMed 21441914.

NM_005732.4(RAD50):c.3787C>T (p.Gln1263Ter)

Genes: RAD50 (RAD50 double strand break repair protein; plus strand), TH2LCRR (T helper type 2 locus control region associated RNA; minus strand). Cytogenetic location: 5q31.1.
Variant type: single nucleotide variant.
Coding change: c.3787C>T on transcript NM_005732.4 (MANE Select); coding-DNA position 3787, C replaced by T.
Protein change: p.Gln1263Ter; replaces glutamine 1263 with a stop codon.
Molecular consequence: nonsense. On other transcripts: non-coding transcript variant (1).
Genome position (GRCh38, 1-based): chr5:132,642,212, C>T. VCF-style: chr5-132642212-C-T. GRCh37 (hg19) VCF-style: chr5-131977904-C-T.
Other names: short protein forms Q1263*.
Identifiers: ClinVar variation 232259 (VCV000232259.5), dbSNP rs876659654, ClinGen allele CA10578619.